The following is an entry in ClinVar:

ClinVar aggregate classification (germline): Uncertain significance (1 of 4 stars; one submission).

Submission:

GeneDx
Classification: Uncertain significance. Last evaluated: 2017-09-22. Review status: criteria provided, single submitter. Criteria: GeneDx Variant Classification (06012015). Collection method: clinical testing. Allele origin: germline. Affected: yes.
Comment: The R128S variant in the PAX6 gene. has not been reported previously as a pathogenic variant, nor as a benign variant, to our knowledge. This variant is not observed in large population cohorts (Lek et al., 2016). The R128S variant is a semi-conservative amino acid substitution, which may impact secondary protein structure as these residues differ in some properties. This substitution occurs at a position that is conserved across species. In silico analysis predicts this variant is probably damaging to the protein structure/function. Missense variants at the same residue (R128C, R128P) have been reported in association with PAX6-related disorders (Azuma et al., 1996; Bredrup et al., 2008), supporting the functional importance of this region of the protein. We interpret R128S as a variant of uncertain significance.

NM_001368894.2(PAX6):c.424C>A (p.Arg142Ser)

Gene: PAX6 (paired box 6; minus strand). Cytogenetic location: 11p13.
Variant type: single nucleotide variant.
Coding change: c.424C>A on transcript NM_001368894.2 (MANE Select); coding-DNA position 424, C replaced by A.
Protein change: p.Arg142Ser; replaces arginine 142 with serine.
Molecular consequence: missense variant. On other transcripts: 5 prime UTR variant (14), non-coding transcript variant (2).
Genome position (GRCh38, 1-based): chr11:31,800,832, G>T on the plus strand (C>A on the coding strand, the complement: PAX6 is on the minus strand). VCF-style: chr11-31800832-G-T. GRCh37 (hg19) VCF-style: chr11-31822380-G-T.
Other names: c.382C>A, p.Arg128Ser (NM_000280.6, NM_001127612.3, NM_001258464.2 and 10 more transcripts); c.424C>A, p.Arg142Ser (NM_001258462.3, NM_001258463.2, NM_001310158.2 and 6 more transcripts); c.-27C>A (NM_001310160.2, NM_001310161.3, NM_001368929.2 and 11 more transcripts); c.223C>A, p.Arg75Ser (NM_001368923.2, NM_001368924.2, NM_001368925.2 and 4 more transcripts); c.181C>A, p.Arg61Ser (NM_001368928.2); c.457C>A, p.Arg153Ser (NM_001368920.2); c.499C>A, p.Arg167Ser (NM_001368919.2, NM_001368918.2); c.427C>A, p.Arg143Ser (NM_001368911.2); and 1 more; short protein forms R128S, R142S, R153S, R167S, R61S, R143S, R209S, R75S.
Identifiers: ClinVar variation 452002 (VCV000452002.2), dbSNP rs121907918, ClinGen allele CA379958369.